The following is an entry in ClinVar:

ClinVar aggregate classification (germline): Uncertain significance (1 of 4 stars; one submission).

Submission:

Labcorp Genetics (formerly Invitae), Labcorp
Classification: Uncertain significance. Last evaluated: 2022-10-18. Review status: criteria provided, single submitter. Criteria: Invitae Variant Classification Sherloc (09022015). Collection method: clinical testing. Allele origin: germline.
Comment: This variant results in a copy number gain of the genomic region encompassing exon(s) 2-10 of the TRPM1 gene. This region includes the initiator codon of the gene. This copy number gain extends beyond the assayed region for this gene and therefore may encompass additional genes. As the precise location of this event is unknown, it may be in tandem or it may be located elsewhere in the genome. This variant has not been reported in the literature in individuals affected with TRPM1-related conditions. In summary, the available evidence is currently insufficient to determine the role of this variant in disease. Therefore, it has been classified as a Variant of Uncertain Significance.

NC_000015.9:g.(?_31352727)_(31369124_?)dup

Genes: MIR211 (microRNA 211; minus strand), TRPM1 (transient receptor potential cation channel subfamily M member 1; minus strand). Cytogenetic location: 15q13.3.
Variant type: Duplication.
Identifiers: ClinVar variation 1400010 (VCV001400010.4).